The following is an entry in ClinVar:

NM_198578.4(LRRK2):c.5439A>C (p.Leu1813Phe)

Gene: LRRK2 (leucine rich repeat kinase 2; plus strand). Cytogenetic location: 12q12.
Variant type: single nucleotide variant.
Coding change: c.5439A>C on transcript NM_198578.4 (MANE Select); coding-DNA position 5439, A replaced by C.
Protein change: p.Leu1813Phe; replaces leucine 1813 with phenylalanine.
Molecular consequence: missense variant.
Genome position (GRCh38, 1-based): chr12:40,322,440, A>C. VCF-style: chr12-40322440-A-C. GRCh37 (hg19) VCF-style: chr12-40716242-A-C.
Other names: short protein forms L1813F.
Identifiers: ClinVar variation 2447259 (VCV002447259.2), dbSNP rs2499885547, ClinGen allele CA384420762.

ClinVar aggregate classification (germline): Uncertain significance (1 of 4 stars; one submission).

Conditions:
Inborn genetic diseases. Identifiers: MedGen C0950123, MeSH D030342.

Allele frequency attached by ClinVar (database versions not stated): gnomAD exomes below 0.00001.
gnomAD v4.1: 1 of 1,613,474 alleles (0.000062%); highest among the groups gnomAD compares: African/African-American, 0.0013%; no homozygotes.

Submission:

Ambry Genetics
Classification: Uncertain significance for Inborn genetic diseases. Last evaluated: 2022-12-26. Review status: criteria provided, single submitter. Criteria: Ambry Variant Classification Scheme 2023. Collection method: clinical testing. Allele origin: germline.
Comment: The p.L1813F variant (also known as c.5439A>C), located in coding exon 37 of the LRRK2 gene, results from an A to C substitution at nucleotide position 5439. The leucine at codon 1813 is replaced by phenylalanine, an amino acid with highly similar properties. This amino acid position is conserved. In addition, the in silico prediction for this alteration is inconclusive. Since supporting evidence is limited at this time, the clinical significance of this alteration remains unclear.